The following is an entry in ClinVar:

ClinVar aggregate classification (germline): Uncertain significance (1 of 4 stars; one submission).

Conditions:
Marfan syndrome (MFS). Also called: MARFAN SYNDROME, TYPE I; Marfan syndrome type 1; Marfan's syndrome; Marfan syndrome, classic; FBN1-Related Marfan Syndrome. Identifiers: Orphanet 284963, Orphanet 558, MedGen C0024796, MONDO:0007947, OMIM 154700.

Submission:

All of Us Research Program, National Institutes of Health
Classification: Uncertain significance for Marfan syndrome. Last evaluated: 2023-02-15. Review status: criteria provided, single submitter. Criteria: ACMG Guidelines, 2015. Collection method: clinical testing. Allele origin: germline. Inheritance: Autosomal dominant inheritance. Observed: 1 variant allele, 1 heterozygote.
Comment: This missense variant replaces alanine with serine at codon 605 of the FBN1 protein. Computational prediction suggests that this variant may not impact protein structure and function (internally defined REVEL score threshold <= 0.5, PMID: 27666373). To our knowledge, functional studies have not been reported for this variant. This variant has not been reported in individuals affected with cardiovascular disorders in the literature. This variant has not been identified in the general population by the Genome Aggregation Database (gnomAD). The available evidence is insufficient to determine the role of this variant in disease conclusively. Therefore, this variant is classified as a Variant of Uncertain Significance.

This study involves interpretation of variants in research participants for the purpose of population health screening. Participant phenotype was not available at the time of variant classification. Additional details can be found in publication PMID: 35346344, PMCID: PMC8962531

NM_000138.5(FBN1):c.1813G>T (p.Ala605Ser)

Gene: FBN1 (fibrillin 1; minus strand). Cytogenetic location: 15q21.1.
Variant type: single nucleotide variant.
Coding change: c.1813G>T on transcript NM_000138.5 (MANE Select); coding-DNA position 1813, G replaced by T.
Protein change: p.Ala605Ser; replaces alanine 605 with serine.
Molecular consequence: missense variant.
Genome position (GRCh38, 1-based): chr15:48,508,606, C>A on the plus strand (G>T on the coding strand, the complement: FBN1 is on the minus strand). VCF-style: chr15-48508606-C-A. GRCh37 (hg19) VCF-style: chr15-48800803-C-A.
Other names: c.1813G>T, p.Ala605Ser (NM_001406716.1); short protein forms A605S.
Identifiers: ClinVar variation 3069389 (VCV003069389.1), dbSNP rs1159345180, ClinGen allele CA392340246.
Genomic context (GRCh38, chr15:48,508,606, plus strand): 5'-CGTGAAGAACATGATCTAGGGTTTTATAGCACGAACCTTTGCAATAACGTCCATCTGATG[C>A]CAGCTGGAATCCAGGTTTGCAAATACATTTAAAACTGCCATCTTCATTGATACACATTCC-3'
Protein context (NP_000129.3, residues 595-615): KCICKPGFQL[Ala605Ser]SDGRYCKDIN